The following is an entry in ClinVar:

ClinVar aggregate classification (germline): Uncertain significance (1 of 4 stars; one submission).

Allele frequency attached by ClinVar (database versions not stated): gnomAD 0.00001; gnomAD exomes 0.00001.
gnomAD v4.1: 5 of 1,613,208 alleles (0.00031%); highest among the groups gnomAD compares: Non-Finnish European, 0.00042%; no homozygotes.

Submission:

Labcorp Genetics (formerly Invitae), Labcorp
Classification: Uncertain significance. Last evaluated: 2022-07-26. Review status: criteria provided, single submitter. Criteria: Invitae Variant Classification Sherloc (09022015). Collection method: clinical testing. Allele origin: germline.
Comment: In summary, the available evidence is currently insufficient to determine the role of this variant in disease. Therefore, it has been classified as a Variant of Uncertain Significance. Algorithms developed to predict the effect of missense changes on protein structure and function are either unavailable or do not agree on the potential impact of this missense change (SIFT: "Deleterious"; PolyPhen-2: "Probably Damaging"; Align-GVGD: "Class C0"). ClinVar contains an entry for this variant (Variation ID: 1463947). This variant has not been reported in the literature in individuals affected with PCLO-related conditions. This variant is present in population databases (no rsID available, gnomAD 0.007%). This sequence change replaces glycine, which is neutral and non-polar, with aspartic acid, which is acidic and polar, at codon 475 of the PCLO protein (p.Gly475Asp).

NM_033026.6(PCLO):c.1424G>A (p.Gly475Asp)

Gene: PCLO (piccolo presynaptic cytomatrix protein; minus strand). Cytogenetic location: 7q21.11.
Variant type: single nucleotide variant.
Coding change: c.1424G>A on transcript NM_033026.6 (MANE Select); coding-DNA position 1424, G replaced by A.
Protein change: p.Gly475Asp; replaces glycine 475 with aspartic acid.
Molecular consequence: missense variant.
Genome position (GRCh38, 1-based): chr7:83,155,217, C>T on the plus strand (G>A on the coding strand, the complement: PCLO is on the minus strand). VCF-style: chr7-83155217-C-T. GRCh37 (hg19) VCF-style: chr7-82784533-C-T.
Other names: c.1424G>A, p.Gly475Asp (NM_014510.3); short protein forms G475D.
Identifiers: ClinVar variation 1463947 (VCV001463947.6), dbSNP rs1409651698, ClinGen allele CA367914303.
Genomic context (GRCh38, chr7:83,155,217, plus strand): 5'-CCAGGCTGTTGAGGTGGGGGCTTTGCTGGGCCAGGCTGTTGAGGTGGGGGCTTTGCTGGG[C>T]CAGGCAGTTGTGAAGGAGGCTTTGTTGGGCCAGTCTGCTGGGCAGAAGTCTTTCCGGGTC-3'
Protein context (NP_149015.2, residues 465-485): GPTKPPSQLP[Gly475Asp]PAKPPPQQPG